The following is an entry in ClinVar:

NM_001032386.2(SUOX):c.805C>T (p.Arg269Cys)

Gene: SUOX (sulfite oxidase; plus strand). Cytogenetic location: 12q13.2.
Variant type: single nucleotide variant.
Coding change: c.805C>T on transcript NM_001032386.2 (MANE Select); coding-DNA position 805, C replaced by T.
Protein change: p.Arg269Cys; replaces arginine 269 with cysteine.
Molecular consequence: missense variant.
Genome position (GRCh38, 1-based): chr12:56,004,194, C>T. VCF-style: chr12-56004194-C-T. GRCh37 (hg19) VCF-style: chr12-56397978-C-T.
Other names: c.805C>T, p.Arg269Cys (NM_000456.3, NM_001032387.2); short protein forms R269C.
Identifiers: ClinVar variation 1408720 (VCV001408720.6), dbSNP rs747915576, ClinGen allele CA6621048.

ClinVar aggregate classification (germline): Uncertain significance (1 of 4 stars; one submission).

Conditions:
Sulfite oxidase deficiency. Also called: Isolated sulfite oxidase deficiency. Identifiers: Orphanet 833, Orphanet 99731, MedGen C0268624, MONDO:0010089, OMIM 272300, HP:0003643.

Allele frequency attached by ClinVar (database versions not stated): gnomAD exomes below 0.00001 and 0.00001; TOPMed 0.00001; ExAC 0.00002.
gnomAD v4.1: 6 of 1,614,144 alleles (0.00037%); highest among the groups gnomAD compares: African/African-American, 0.0013%; no homozygotes.

Submission:

Labcorp Genetics (formerly Invitae), Labcorp
Classification: Uncertain significance for Sulfite oxidase deficiency. Last evaluated: 2021-09-24. Review status: criteria provided, single submitter. Criteria: Invitae Variant Classification Sherloc (09022015). Collection method: clinical testing. Allele origin: germline.
Comment: This sequence change replaces arginine with cysteine at codon 269 of the SUOX protein (p.Arg269Cys). The arginine residue is highly conserved and there is a large physicochemical difference between arginine and cysteine. This variant is present in population databases (rs747915576, ExAC 0.006%). This variant has not been reported in the literature in individuals with SUOX-related conditions. Algorithms developed to predict the effect of missense changes on protein structure and function (SIFT, PolyPhen-2, Align-GVGD) all suggest that this variant is likely to be disruptive, but these predictions have not been confirmed by published functional studies and their clinical significance is uncertain. In summary, the available evidence is currently insufficient to determine the role of this variant in disease. Therefore, it has been classified as a Variant of Uncertain Significance.